The following is an entry in ClinVar:

NM_138713.4(NFAT5):c.2227G>A (p.Asp743Asn)

Gene: NFAT5 (nuclear factor of activated T cells 5; plus strand). Cytogenetic location: 16q22.1.
Variant type: single nucleotide variant.
Coding change: c.2227G>A on transcript NM_138713.4 (MANE Select); coding-DNA position 2227, G replaced by A.
Protein change: p.Asp743Asn; replaces aspartic acid 743 with asparagine.
Molecular consequence: missense variant.
Genome position (GRCh38, 1-based): chr16:69,692,052, G>A. VCF-style: chr16-69692052-G-A. GRCh37 (hg19) VCF-style: chr16-69725955-G-A.
Other names: c.2224G>A, p.Asp742Asn (NM_001113178.3); c.1552G>A, p.Asp518Asn (NM_001367709.1); c.2173G>A, p.Asp725Asn (NM_006599.4); c.1945G>A, p.Asp649Asn (NM_138714.4, NM_173214.3, NM_173215.3); c.2227G>A, p.Asp743Asn (LRG_1332t1); c.2227G>A (NM_138713.3); short protein forms D742N, D743N, D649N, D518N, D725N.
Identifiers: ClinVar variation 658506 (VCV000658506.12), dbSNP rs201856741, ClinGen allele CA8135738.

ClinVar aggregate classification (germline): Uncertain significance. Review status: criteria provided, multiple submitters, no conflicts (2 of 4 stars). 3 submissions from 3 submitters: Uncertain significance (3). Last evaluated 2026-03-30.

Conditions:
NFAT5-related disorder. Also called: NFAT5-related condition.
Immunodeficiency. Identifiers: MedGen C0021051, MONDO:0021094, HP:0002721.

Allele frequency attached by ClinVar (database versions not stated): ExAC 0.00007; gnomAD exomes 0.00007; gnomAD 0.00025 and 0.00026; 1000 Genomes Project 0.00040; 1000 Genomes Project 30x 0.00047; TOPMed 0.00050.
gnomAD v4.1: 88 of 1,614,194 alleles (0.0055%); highest among the groups gnomAD compares: Admixed American, 0.12%; no homozygotes.

Submissions (3):

PreventionGenetics, part of Exact Sciences
Classification: Uncertain significance for NFAT5-related condition. Last evaluated: 2026-03-30. Review status: criteria provided, single submitter. Criteria: ACMG Guidelines, 2015. Collection method: clinical testing. Allele origin: germline.
Comment: The NFAT5 c.1945G>A variant is predicted to result in the amino acid substitution p.Asp649Asn. To our knowledge, this variant has not been reported in the literature. This variant is reported in 0.037% of alleles in individuals of Latino descent in gnomAD, which may be too common to be causative. Although we suspect that this variant may be benign, at this time, the clinical significance of this variant is uncertain due to the absence of conclusive functional and genetic evidence.

Labcorp Genetics (formerly Invitae), Labcorp
Classification: Uncertain significance for Immunodeficiency. Last evaluated: 2026-01-21. Review status: criteria provided, single submitter. Criteria: Invitae Variant Classification Sherloc (09022015). Collection method: clinical testing. Allele origin: germline.
Comment: This sequence change replaces aspartic acid, which is acidic and polar, with asparagine, which is neutral and polar, at codon 649 of the NFAT5 protein (p.Asp649Asn). This variant is present in population databases (rs201856741, gnomAD 0.04%), and has an allele count higher than expected for a pathogenic variant. This variant has not been reported in the literature in individuals affected with NFAT5-related conditions. ClinVar contains an entry for this variant (Variation ID: 658506). An algorithm developed to predict the effect of missense changes on protein structure and function (PolyPhen-2) suggests that this variant is likely to be tolerated. In summary, the available evidence is currently insufficient to determine the role of this variant in disease. Therefore, it has been classified as a Variant of Uncertain Significance.

Ambry Genetics
Classification: Uncertain significance. Last evaluated: 2024-06-16. Review status: criteria provided, single submitter. Criteria: Ambry Variant Classification Scheme 2023. Collection method: clinical testing. Allele origin: germline.